The following is an entry in ClinVar:

NM_003072.5(SMARCA4):c.254C>G (p.Ser85Trp)

Gene: SMARCA4 (SWI/SNF related BAF chromatin remodeling complex subunit ATPase 4; plus strand). Cytogenetic location: 19p13.2.
Variant type: single nucleotide variant.
Coding change: c.254C>G on transcript NM_003072.5 (MANE Select); coding-DNA position 254, C replaced by G.
Protein change: p.Ser85Trp; replaces serine 85 with tryptophan.
Molecular consequence: missense variant. On other transcripts: non-coding transcript variant (1).
Genome position (GRCh38, 1-based): chr19:10,985,304, C>G. VCF-style: chr19-10985304-C-G. GRCh37 (hg19) VCF-style: chr19-11095980-C-G.
Other names: c.254C>G, p.Ser85Trp (NM_001128844.3, NM_001128845.2, NM_001128846.2 and 6 more transcripts); short protein forms S85W.
Identifiers: ClinVar variation 3798919 (VCV003798919.1).
Genomic context (GRCh38, chr19:10,985,304, plus strand): 5'-ACCCTGCCTTGCCATGGTCCCTCTCGCAGCCCATGGAGTCCATGCATGAGAAGGGCATGT[C>G]GGACGACCCGCGCTACAACCAGATGAAAGGAATGGGGATGCGGTCAGGGGGCCATGCTGG-3'
Protein context (NP_003063.2, residues 75-95): PMESMHEKGM[Ser85Trp]DDPRYNQMKG

ClinVar aggregate classification (germline): Uncertain significance (1 of 4 stars; one submission).

Conditions:
Hereditary cancer-predisposing syndrome. Also called: Neoplastic Syndromes, Hereditary; Hereditary Cancer Syndrome; Tumor predisposition; Hereditary neoplastic syndrome. Identifiers: Orphanet 140162, MedGen C0027672, MeSH D009386, MONDO:0015356.

Submission:

Ambry Genetics
Classification: Uncertain significance for Hereditary cancer-predisposing syndrome. Last evaluated: 2025-02-15. Review status: criteria provided, single submitter. Criteria: Ambry Variant Classification Scheme 2023. Collection method: clinical testing. Allele origin: germline.
Comment: The p.S85W variant (also known as c.254C>G), located in coding exon 2 of the SMARCA4 gene, results from a C to G substitution at nucleotide position 254. The serine at codon 85 is replaced by tryptophan, an amino acid with highly dissimilar properties. This amino acid position is conserved. In addition, this alteration is predicted to be tolerated by in silico analysis. Based on the available evidence, the clinical significance of this variant remains unclear.